The following is an entry in ClinVar:

NM_139137.4(KCNC2):c.416C>T (p.Ala139Val)

Gene: KCNC2 (potassium voltage-gated channel subfamily C member 2; minus strand). Cytogenetic location: 12q21.1.
Variant type: single nucleotide variant.
Coding change: c.416C>T on transcript NM_139137.4 (MANE Select); coding-DNA position 416, C replaced by T.
Protein change: p.Ala139Val; replaces alanine 139 with valine.
Molecular consequence: missense variant. On other transcripts: non-coding transcript variant (2).
Genome position (GRCh38, 1-based): chr12:75,207,568, G>A on the plus strand (C>T on the coding strand, the complement: KCNC2 is on the minus strand). VCF-style: chr12-75207568-G-A. GRCh37 (hg19) VCF-style: chr12-75601348-G-A.
Other names: c.416C>T, p.Ala139Val (NM_001260497.2, NM_001260498.2, NM_001260499.2 and 13 more transcripts); short protein forms A139V.
Identifiers: ClinVar variation 4536514 (VCV004536514.1).

ClinVar aggregate classification (germline): Uncertain significance (1 of 4 stars; one submission).

Submission:

GeneDx
Classification: Uncertain significance. Last evaluated: 2025-06-06. Review status: criteria provided, single submitter. Criteria: GeneDx Variant Classification Process June 2021. Collection method: clinical testing. Allele origin: germline. Affected: yes.
Comment: Not observed at significant frequency in large population cohorts (gnomAD); In silico analysis suggests that this missense variant does not alter protein structure/function; Has not been previously published as pathogenic or benign to our knowledge